The following is an entry in ClinVar:

NM_181882.3(PRX):c.1369G>A (p.Glu457Lys)

Gene: PRX (periaxin; minus strand). Cytogenetic location: 19q13.2.
Variant type: single nucleotide variant.
Coding change: c.1369G>A on transcript NM_181882.3 (MANE Select); coding-DNA position 1369, G replaced by A.
Protein change: p.Glu457Lys; replaces glutamic acid 457 with lysine.
Molecular consequence: missense variant. On other transcripts: 3 prime UTR variant (1).
Genome position (GRCh38, 1-based): chr19:40,396,983, C>T on the plus strand (G>A on the coding strand, the complement: PRX is on the minus strand). VCF-style: chr19-40396983-C-T. GRCh37 (hg19) VCF-style: chr19-40902890-C-T.
Other names: c.*1574G>A (NM_020956.2); short protein forms E457K.
Identifiers: ClinVar variation 476949 (VCV000476949.21), dbSNP rs142064826, ClinGen allele CA9444276.
Genomic context (GRCh38, chr19:40,396,983, plus strand): 5'-TCATCTCTGACACCTTGGGGAGCTCCACCTCTGGGAGTCGAACCTCTGGAAGGGCTGCCT[C>T]GGGCACTTTTGGAAGCTTGACCTCAGGAGCCTTGGGGAGCTTCACTTCAGGTCCCTTGGG-3'
Protein context (NP_870998.2, residues 447-467): APEVKLPKVP[Glu457Lys]AALPEVRLPE

ClinVar aggregate classification (germline): Conflicting classifications of pathogenicity. Review status: criteria provided, conflicting classifications (1 of 4 stars). 5 submissions from 5 submitters: Uncertain significance (1); Likely benign (3). 1 of the submissions does not count toward it. Last evaluated 2025-11-11.

Conditions:
PRX-related disorder. Also called: PRX-related condition; PRX-Related Disorders.
Charcot-Marie-Tooth disease type 4F. Also called: Charcot-Marie-Tooth disease, demyelinating, type 4F. Identifiers: Orphanet 99952, MedGen C3540453, MONDO:0013959, OMIM 614895.
Inborn genetic diseases. Identifiers: MedGen C0950123, MeSH D030342.
Charcot-Marie-Tooth disease type 4. Also called: Charcot-Marie-Tooth, Type 4; Charcot-Marie-Tooth disease, type IV. Identifiers: Orphanet 64749, MedGen C4082197, MONDO:0018995.

Allele frequency attached by ClinVar (database versions not stated): gnomAD 0.00008 and 0.00014; TOPMed 0.00012; gnomAD exomes 0.00014 and 0.00023; ExAC 0.00021; 1000 Genomes Project 30x 0.00062; 1000 Genomes Project 0.00080.
gnomAD v4.1: 230 of 1,614,144 alleles (0.014%); highest among the groups gnomAD compares: East Asian, 0.46%; no homozygotes.

Submissions (5):

Labcorp Genetics (formerly Invitae), Labcorp
Classification: Likely benign for Charcot-Marie-Tooth disease type 4. Last evaluated: 2025-11-11. Review status: criteria provided, single submitter. Criteria: Invitae Variant Classification Sherloc (09022015). Collection method: clinical testing. Allele origin: germline.

Ambry Genetics
Classification: Likely benign for Inborn genetic diseases. Last evaluated: 2020-11-17. Review status: criteria provided, single submitter. Criteria: Ambry Variant Classification Scheme 2023. Collection method: clinical testing. Allele origin: germline.

GeneDx
Classification: Likely benign. Last evaluated: 2019-04-16. Review status: criteria provided, single submitter. Criteria: GeneDx Variant Classification Process June 2021. Collection method: clinical testing. Allele origin: germline. Affected: yes.

Illumina Laboratory Services, Illumina
Classification: Uncertain significance for Charcot-Marie-Tooth disease type 4F. Last evaluated: 2017-04-28. Review status: criteria provided, single submitter. Criteria: ICSL Variant Classification Criteria 13 December 2019. Collection method: clinical testing. Allele origin: germline.

PreventionGenetics, part of Exact Sciences
Classification: Likely benign for PRX-related condition. Last evaluated: 2022-03-31. Review status: no assertion criteria provided. Collection method: clinical testing. Allele origin: germline. Not counted in ClinVar's aggregate classification.
Comment: This variant is classified as likely benign based on ACMG/AMP sequence variant interpretation guidelines (Richards et al. 2015 PMID: 25741868, with internal and published modifications).